The following is an entry in ClinVar:

NM_001292063.2(OTOG):c.1836C>T (p.Gly612=)

Gene: OTOG (otogelin; plus strand). Cytogenetic location: 11p15.1.
Variant type: single nucleotide variant.
Coding change: c.1836C>T on transcript NM_001292063.2 (MANE Select); coding-DNA position 1836, C replaced by T.
Protein change: p.Gly612=; no amino-acid change (glycine 612 retained).
Molecular consequence: synonymous variant.
Genome position (GRCh38, 1-based): chr11:17,570,271, C>T. VCF-style: chr11-17570271-C-T. GRCh37 (hg19) VCF-style: chr11-17591818-C-T.
Other names: c.1872C>T, p.Gly624= (NM_001277269.2).
Identifiers: ClinVar variation 4977271 (VCV004977271.1).

ClinVar aggregate classification (germline): Likely benign (1 of 4 stars; one submission).

Conditions:
OTOG-related disorder. Also called: OTOG-related condition.

gnomAD v4.1: 9 of 1,550,830 alleles (0.00058%); highest among the groups gnomAD compares: Admixed American, 0.0059%; no homozygotes.

Submission:

PreventionGenetics, part of Exact Sciences
Classification: Likely benign for OTOG-related condition. Last evaluated: 2026-09-26. Review status: criteria provided, single submitter. Criteria: ACMG Guidelines, 2015. Collection method: clinical testing. Allele origin: germline.
Comment: This variant is classified as likely benign based on ACMG/AMP sequence variant interpretation guidelines (Richards et al. 2015 PMID: 25741868, with internal and published modifications).